The following is an entry in ClinVar:

ClinVar aggregate classification (germline): Benign. Review status: criteria provided, multiple submitters, no conflicts (2 of 4 stars). 4 submissions from 4 submitters: Benign (4). Last evaluated 2026-05-11.

Conditions:
Iodotyrosyl coupling defect (TDH3). Also called: HYPOTHYROIDISM, CONGENITAL, DUE TO DYSHORMONOGENESIS, 3; THYROID HORMONOGENESIS, GENETIC DEFECT IN, 3. Identifiers: Orphanet 95716, MedGen C0342194, MONDO:0010135, OMIM 274700.

Allele frequency attached by ClinVar (database versions not stated): gnomAD exomes 0.00674 and 0.01458; ExAC 0.01778; gnomAD 0.04935 and 0.05272; TOPMed 0.05526; 1000 Genomes Project 0.05711; ESP Exome Variant Server 0.05851; 1000 Genomes Project 30x 0.05981.
gnomAD v4.1: 17,758 of 1,613,892 alleles (1.1%); highest among the groups gnomAD compares: African/African-American, 16%; 1,026 homozygotes.

Submissions (6):

Women's Health and Genetics/Laboratory Corporation of America, LabCorp
Classification: Benign. Last evaluated: 2026-05-11. Review status: criteria provided, single submitter. Criteria: LabCorp Variant Classification Summary - May 2015. Collection method: clinical testing. Allele origin: germline.

Labcorp Genetics (formerly Invitae), Labcorp
Classification: Benign. Last evaluated: 2026-02-01. Review status: criteria provided, single submitter. Criteria: Invitae Variant Classification Sherloc (09022015). Collection method: clinical testing. Allele origin: germline.

Illumina Laboratory Services, Illumina
Classification: Benign for Iodotyrosyl coupling defect. Last evaluated: 2018-01-12. Review status: criteria provided, single submitter. Criteria: ICSL Variant Classification Criteria 13 December 2019. Collection method: clinical testing. Allele origin: germline.
Comment: This variant was observed in the ICSL laboratory as part of a predisposition screen in an ostensibly healthy population. It had not been previously curated by ICSL or reported in the Human Gene Mutation Database (HGMD: prior to June 1st, 2018), and was therefore a candidate for classification through an automated scoring system. Utilizing variant allele frequency, disease prevalence and penetrance estimates, and inheritance mode, an automated score was calculated to assess if this variant is too frequent to cause the disease. Based on the score and internal cut-off values, a variant classified as benign is not then subjected to further curation. The score for this variant resulted in a classification of benign for this disease.

Breakthrough Genomics
Classification: Benign. Review status: criteria provided, single submitter. Criteria: ACMG Guidelines, 2015. Collection method: not provided. Allele origin: germline. Inheritance: Autosomal recessive inheritance. Affected: yes.

Dr. Peter K. Rogan Lab, Western University
No classification provided (evidence only). Condition: Acute myeloid leukemia. Review status: no classification provided. Collection method: in vitro. Allele origin: not applicable. Functional consequence: retained intron. Not counted in ClinVar's aggregate classification.

Dr. Peter K. Rogan Lab, Western University
No classification provided (evidence only). Condition: Thymoma. Review status: no classification provided. Collection method: in vitro. Allele origin: not applicable. Functional consequence: retained intron. Not counted in ClinVar's aggregate classification.

NM_003235.5(TG):c.5549-9C>A

Gene: TG (thyroglobulin; plus strand). Cytogenetic location: 8q24.22.
Variant type: single nucleotide variant.
Coding change: c.5549-9C>A on transcript NM_003235.5 (MANE Select); 9 bases into the intron before coding-DNA position 5549, C replaced by A.
Molecular consequence: intron variant.
Genome position (GRCh38, 1-based): chr8:132,966,551, C>A. VCF-style: chr8-132966551-C-A. GRCh37 (hg19) VCF-style: chr8-133978796-C-A.
Identifiers: ClinVar variation 361977 (VCV000361977.11), dbSNP rs77157347, ClinGen allele CA4884571.